The following is an entry in ClinVar:

ClinVar aggregate classification (germline): Uncertain significance (1 of 4 stars; one submission).

Conditions:
Fanconi anemia (FA). Also called: Fanconi's anemia. Identifiers: Orphanet 84, MedGen C0015625, MeSH D005199, MONDO:0019391.

Submission:

Labcorp Genetics (formerly Invitae), Labcorp
Classification: Uncertain significance for Fanconi anemia. Last evaluated: 2022-03-29. Review status: criteria provided, single submitter. Criteria: Invitae Variant Classification Sherloc (09022015). Collection method: clinical testing. Allele origin: germline.
Comment: This sequence change replaces serine, which is neutral and polar, with glycine, which is neutral and non-polar, at codon 1243 of the SLX4 protein (p.Ser1243Gly). This variant is not present in population databases (gnomAD no frequency). This variant has not been reported in the literature in individuals affected with SLX4-related conditions. Algorithms developed to predict the effect of missense changes on protein structure and function (SIFT, PolyPhen-2, Align-GVGD) all suggest that this variant is likely to be tolerated. In summary, the available evidence is currently insufficient to determine the role of this variant in disease. Therefore, it has been classified as a Variant of Uncertain Significance.

NM_032444.4(SLX4):c.3727A>G (p.Ser1243Gly)

Gene: SLX4 (SLX4 structure-specific endonuclease subunit; minus strand). Cytogenetic location: 16p13.3.
Variant type: single nucleotide variant.
Coding change: c.3727A>G on transcript NM_032444.4 (MANE Select); coding-DNA position 3727, A replaced by G.
Protein change: p.Ser1243Gly; replaces serine 1243 with glycine.
Molecular consequence: missense variant.
Genome position (GRCh38, 1-based): chr16:3,589,911, T>C on the plus strand (A>G on the coding strand, the complement: SLX4 is on the minus strand). VCF-style: chr16-3589911-T-C. GRCh37 (hg19) VCF-style: chr16-3639912-T-C.
Other names: short protein forms S1243G.
Identifiers: ClinVar variation 2119265 (VCV002119265.1), dbSNP rs2548212314, ClinGen allele CA394519529.